The following is an entry in ClinVar:

NM_005477.3(HCN4):c.3497_3500del (p.Ser1166fs)

Gene: HCN4 (hyperpolarization activated cyclic nucleotide gated potassium channel 4; minus strand). Cytogenetic location: 15q24.1.
Variant type: Deletion.
Coding change: c.3497_3500del on transcript NM_005477.3 (MANE Select); coding-DNA positions 3497 to 3500, 4 bases deleted (CTTT; older notation c.3497_3500delCTTT).
Protein change: p.Ser1166fs; shifts the reading frame from serine 1166.
Molecular consequence: frameshift variant.
Genome position (GRCh38, 1-based): chr15:73,322,593-73,322,596, AAAG deleted on the plus strand (CTTT on the coding strand, the reverse complement: HCN4 is on the minus strand); deleting any 4 consecutive bases within chr15:73,322,593-73,322,597 gives the same sequence; the c. name uses the placement nearest the transcript's 3' end. VCF-style (leftmost placement, unchanged base first): chr15-73322592-CAAAG-C. GRCh37 (hg19) VCF-style: chr15-73614933-CAAAG-C.
Other names: c.3497_3500del (NM_005477.2); short protein forms S1166fs.
Identifiers: ClinVar variation 190785 (VCV000190785.18), dbSNP rs774674047, ClinGen allele CA301968.

ClinVar aggregate classification (germline): Uncertain significance. Review status: criteria provided, multiple submitters, no conflicts (2 of 4 stars). 7 submissions from 7 submitters: Uncertain significance (7). Last evaluated 2025-12-15.

Conditions:
Cardiovascular phenotype. Identifiers: MedGen CN230736.
Epilepsy, idiopathic generalized, susceptibility to, 18. Identifiers: MedGen C5561983, MONDO:0030434, OMIM 619521.
Sick sinus syndrome 2, autosomal dominant (SSS2). Also called: ATRIAL FIBRILLATION WITH BRADYARRHYTHMIA; SICK SINUS SYNDROME 2; SICK SINUS SYNDROME 2 WITH OR WITHOUT CARDIAC NONCOMPACTION AND/OR ASCENDING AORTA DILATION; SINUS BRADYCARDIA SYNDROME, FAMILIAL, AUTOSOMAL DOMINANT; SINUS NODE DISEASE, FAMILIAL, AUTOSOMAL DOMINANT. Identifiers: Orphanet 166282, MedGen C1834144, MONDO:0008102, OMIM 163800.
Brugada syndrome 8 (BRGDA8). Identifiers: Orphanet 130, MedGen C2751083, MONDO:0013148, OMIM 613123.

Submissions (7):

Labcorp Genetics (formerly Invitae), Labcorp
Classification: Uncertain significance for Brugada syndrome 8. Last evaluated: 2025-12-15. Review status: criteria provided, single submitter. Criteria: Invitae Variant Classification Sherloc (09022015). Collection method: clinical testing. Allele origin: germline.
Comment: This sequence change creates a premature translational stop signal (p.Ser1166Cysfs*14) in the HCN4 gene. It is expected to result in an absent or disrupted protein product. However, the current clinical and genetic evidence is not sufficient to establish whether loss-of-function variants in HCN4 cause disease. This variant is present in population databases (rs774674047, gnomAD 0.006%). This variant has not been reported in the literature in individuals affected with HCN4-related conditions. ClinVar contains an entry for this variant (Variation ID: 190785). In summary, the available evidence is currently insufficient to determine the role of this variant in disease. Therefore, it has been classified as a Variant of Uncertain Significance.

Ambry Genetics
Classification: Uncertain significance for Cardiovascular phenotype. Last evaluated: 2025-04-29. Review status: criteria provided, single submitter. Criteria: Ambry Variant Classification Scheme 2023. Collection method: clinical testing. Allele origin: germline.
Comment: The c.3497_3500delCTTT variant, located in coding exon 8 of the HCN4 gene, results from a deletion of 4 nucleotides at nucleotide positions 3497 to 3500, causing a translational frameshift with a predicted alternate stop codon (p.S1166Cfs*14). This alteration occurs at the 3' terminus of theHCN4 gene, is not expected to trigger nonsense-mediated mRNAdecay, and only impacts the last 3% of the protein. The exact functional effect of this alteration is unknown. In addition, loss of function of HCN4 has not been established as a mechanism of disease. Based on the available evidence, the clinical significance of this variant remains unclear.

ARUP Laboratories, Molecular Genetics and Genomics, ARUP Laboratories
Classification: Uncertain significance. Last evaluated: 2024-04-17. Review status: criteria provided, single submitter. Criteria: ARUP Molecular Germline Variant Investigation Process 2024. Collection method: clinical testing. Allele origin: germline.
Comment: The HCN4 c.3497_3500del; p.Ser1166CysfsTer14 variant (rs774674047), to our knowledge, is not reported in the medical literature but is reported in ClinVar (Variation ID: 190785). This variant is found in the general population with an overall allele frequency of 0.002% (6/272892 alleles) in the Genome Aggregation Database (v2.1.1). This variant results in a premature termination codon in the last exon of the HCN4 gene. While this may not lead to nonsense-mediated decay, it is expected to create a truncated HCN4 protein. Due to limited information, the clinical significance of this variant is uncertain at this time.

AiLife Diagnostics
Classification: Uncertain significance. Last evaluated: 2022-02-05. Review status: criteria provided, single submitter. Criteria: ACMG Guidelines, 2015. Collection method: clinical testing. Allele origin: germline. Affected: yes. Observed: 2 variant alleles.

Fulgent Genetics
Classification: Uncertain significance for Sick sinus syndrome 2, autosomal dominant; Brugada syndrome 8; Epilepsy, idiopathic generalized, susceptibility to, 18. Last evaluated: 2021-12-27. Review status: criteria provided, single submitter. Criteria: ACMG Guidelines, 2015. Collection method: clinical testing. Allele origin: unknown.

GeneDx
Classification: Uncertain significance. Last evaluated: 2016-09-21. Review status: criteria provided, single submitter. Criteria: GeneDx Variant Classification (06012015). Collection method: clinical testing. Allele origin: germline. Affected: yes.
Comment: The c.3497_c.3500delCTTT variant in the HCN4 gene has not been reported as a disease-causing mutation or as a benign polymorphism, to our knowledge. This variant causes a shift in reading frame starting at codon Serine 1166, changing it to a Cysteine, and creating a premature stop codon at position 14 of the new reading frame, denoted p.Ser1166CysfsX14. This variant is expected to result in an abnormal, truncated protein product. However, the majority of mutations in HCN4 are missense changes indicating haploinsufficiency of HCN4 may not be sufficient to cause an arrhythmia phenotype. With the information available at this time, we cannot definitively determine if c.3497_c.3500delCTTT is a disease-causing mutation or a rare benign variant.

Laboratory for Molecular Medicine, Mass General Brigham Personalized Medicine
Classification: Uncertain significance. Last evaluated: 2016-07-26. Review status: criteria provided, single submitter. Criteria: LMM Criteria. Collection method: clinical testing. Allele origin: germline.
Comment: Variant identified in a genome or exome case(s) and assessed due to predicted null impact of the variant or pathogenic assertions in the literature or databases. Disclaimer: This variant has not undergone full assessment. The following are preliminary notes: LOF in last exon, and there is not enough evidence to support pathogenicity of LOF variants for this gene